The following is an entry in ClinVar:

NM_000090.4(COL3A1):c.494C>T (p.Ala165Val)

Gene: COL3A1 (collagen type III alpha 1 chain; plus strand). Cytogenetic location: 2q32.2.
Variant type: single nucleotide variant.
Coding change: c.494C>T on transcript NM_000090.4 (MANE Select); coding-DNA position 494, C replaced by T.
Protein change: p.Ala165Val; replaces alanine 165 with valine.
Molecular consequence: missense variant.
Genome position (GRCh38, 1-based): chr2:188,987,105, C>T. VCF-style: chr2-188987105-C-T. GRCh37 (hg19) VCF-style: chr2-189851831-C-T.
Other names: short protein forms A165V.
Identifiers: ClinVar variation 2775087 (VCV002775087.2), dbSNP rs2469111471, ClinGen allele CA349848134.

ClinVar aggregate classification (germline): Uncertain significance (1 of 4 stars; one submission).

Conditions:
Familial thoracic aortic aneurysm and aortic dissection (TAAD). Also called: Thoracic aortic aneurysms and dissections. Identifiers: Orphanet 91387, MedGen C4707243, MONDO:0019625.

Submission:

Color Diagnostics, LLC DBA Color Health
Classification: Uncertain significance for Familial thoracic aortic aneurysm and aortic dissection. Last evaluated: 2023-04-11. Review status: criteria provided, single submitter. Criteria: ACMG Guidelines, 2015. Collection method: clinical testing. Allele origin: germline.
Comment: This missense variant replaces alanine with valine at codon 165 of the COL3A1 protein. Computational prediction suggests that this variant may not impact protein structure and function (internally defined REVEL score threshold <= 0.5, PMID: 27666373). To our knowledge, functional studies have not been reported for this variant. This variant has not been reported in individuals affected with COL3A1-related disorders in the literature. This variant has not been identified in the general population by the Genome Aggregation Database (gnomAD). The available evidence is insufficient to determine the role of this variant in disease conclusively. Therefore, this variant is classified as a Variant of Uncertain Significance.